The following is an entry in ClinVar:

ClinVar aggregate classification (germline): Uncertain significance. Review status: criteria provided, multiple submitters, no conflicts (2 of 4 stars). 3 submissions from 3 submitters: Uncertain significance (3). Last evaluated 2025-01-31.

Allele frequency attached by ClinVar (database versions not stated): gnomAD 0.00001; gnomAD exomes 0.00001; TOPMed 0.00001.
gnomAD v4.1: 19 of 1,613,926 alleles (0.0012%); highest among the groups gnomAD compares: Non-Finnish European, 0.0015%; no homozygotes.

Submissions (3):

Ambry Genetics
Classification: Uncertain significance. Last evaluated: 2025-01-31. Review status: criteria provided, single submitter. Criteria: Ambry Variant Classification Scheme 2023. Collection method: clinical testing. Allele origin: germline.

Labcorp Genetics (formerly Invitae), Labcorp
Classification: Uncertain significance. Last evaluated: 2022-02-19. Review status: criteria provided, single submitter. Criteria: Invitae Variant Classification Sherloc (09022015). Collection method: clinical testing. Allele origin: germline.
Comment: In summary, the available evidence is currently insufficient to determine the role of this variant in disease. Therefore, it has been classified as a Variant of Uncertain Significance. Algorithms developed to predict the effect of missense changes on protein structure and function are either unavailable or do not agree on the potential impact of this missense change (SIFT: "Deleterious"; PolyPhen-2: "Benign"; Align-GVGD: "Class C0"). ClinVar contains an entry for this variant (Variation ID: 1327744). This variant has not been reported in the literature in individuals affected with POLG2-related conditions. This variant is not present in population databases (gnomAD no frequency). This sequence change replaces arginine, which is basic and polar, with tryptophan, which is neutral and slightly polar, at codon 88 of the POLG2 protein (p.Arg88Trp).

GeneDx
Classification: Uncertain significance. Last evaluated: 2021-12-06. Review status: criteria provided, single submitter. Criteria: GeneDx Variant Classification Process June 2021. Collection method: clinical testing. Allele origin: germline. Affected: yes.
Comment: Not observed at significant frequency in large population cohorts (Lek et al., 2016); In silico analysis supports that this missense variant does not alter protein structure/function; Has not been previously published as pathogenic or benign to our knowledge

NM_007215.4(POLG2):c.262C>T (p.Arg88Trp)

Genes: MILR1 (mast cell immunoglobulin like receptor 1; plus strand), POLG2 (DNA polymerase gamma 2, accessory subunit; minus strand). Cytogenetic location: 17q23.3.
Variant type: single nucleotide variant.
Coding change: c.262C>T on transcript NM_007215.4 (MANE Select); coding-DNA position 262, C replaced by T.
Protein change: p.Arg88Trp; replaces arginine 88 with tryptophan.
Molecular consequence: missense variant.
Genome position (GRCh38, 1-based): chr17:64,496,707, G>A on the plus strand (C>T on the coding strand, the complement: POLG2 is on the minus strand). VCF-style: chr17-64496707-G-A. GRCh37 (hg19) VCF-style: chr17-62492825-G-A.
Other names: short protein forms R88W.
Identifiers: ClinVar variation 1327744 (VCV001327744.7), dbSNP rs1450816986, ClinGen allele CA400641297.